The following is an entry in ClinVar:

NM_003051.4(SLC16A1):c.545G>C (p.Gly182Ala)

Gene: SLC16A1 (solute carrier family 16 member 1; minus strand). Cytogenetic location: 1p13.2.
Variant type: single nucleotide variant.
Coding change: c.545G>C on transcript NM_003051.4 (MANE Select); coding-DNA position 545, G replaced by C.
Protein change: p.Gly182Ala; replaces glycine 182 with alanine.
Molecular consequence: missense variant.
Genome position (GRCh38, 1-based): chr1:112,917,861, C>G on the plus strand (G>C on the coding strand, the complement: SLC16A1 is on the minus strand). VCF-style: chr1-112917861-C-G. GRCh37 (hg19) VCF-style: chr1-113460483-C-G.
Other names: c.545G>C, p.Gly182Ala (NM_001166496.2); short protein forms G182A.
Identifiers: ClinVar variation 2865101 (VCV002865101.3), dbSNP rs769971958, ClinGen allele CA1011412.
Genomic context (GRCh38, chr1:112,917,861, plus strand): 5'-GGCTTGGGCCCGATTGGTCGCATGAGGGCTCCAGCAACACAGCAGTTTAGTAGCAAGCCC[C>G]CAAGAATTAGAAAGCTTCCTCTCCATCCAAAGATACCGAAGAAAACCTGATTGAGGGGGG-3'
Protein context (NP_003042.3, residues 172-192): FGWRGSFLIL[Gly182Ala]GLLLNCCVAG

ClinVar aggregate classification (germline): Uncertain significance (1 of 4 stars; one submission).

Allele frequency attached by ClinVar (database versions not stated): gnomAD exomes below 0.00001; ExAC 0.00001.
gnomAD v4.1: 1 of 1,612,548 alleles (0.000062%); highest among the groups gnomAD compares: Non-Finnish European, 0.000085%; no homozygotes.

Submission:

Labcorp Genetics (formerly Invitae), Labcorp
Classification: Uncertain significance. Last evaluated: 2023-05-16. Review status: criteria provided, single submitter. Criteria: Invitae Variant Classification Sherloc (09022015). Collection method: clinical testing. Allele origin: germline.
Comment: This variant has not been reported in the literature in individuals affected with SLC16A1-related conditions. This variant is present in population databases (rs769971958, gnomAD 0.0009%). This sequence change replaces glycine, which is neutral and non-polar, with alanine, which is neutral and non-polar, at codon 182 of the SLC16A1 protein (p.Gly182Ala). In summary, the available evidence is currently insufficient to determine the role of this variant in disease. Therefore, it has been classified as a Variant of Uncertain Significance. An algorithm developed to predict the effect of missense changes on protein structure and function (PolyPhen-2) suggests that this variant is likely to be disruptive.